The following is an entry in ClinVar:

NM_006206.6(PDGFRA):c.430G>T (p.Asp144Tyr)

Gene: PDGFRA (platelet derived growth factor receptor alpha; plus strand). Cytogenetic location: 4q12.
Variant type: single nucleotide variant.
Coding change: c.430G>T on transcript NM_006206.6 (MANE Select); coding-DNA position 430, G replaced by T.
Protein change: p.Asp144Tyr; replaces aspartic acid 144 with tyrosine.
Molecular consequence: missense variant.
Genome position (GRCh38, 1-based): chr4:54,263,729, G>T. VCF-style: chr4-54263729-G-T. GRCh37 (hg19) VCF-style: chr4-55129896-G-T.
Other names: c.430G>T, p.Asp144Tyr (NM_001347827.2, NM_001347829.2); c.505G>T, p.Asp169Tyr (NM_001347828.2); c.469G>T, p.Asp157Tyr (NM_001347830.2); short protein forms D144Y, D157Y, D169Y.
Identifiers: ClinVar variation 958981 (VCV000958981.11), dbSNP rs376497743, ClinGen allele CA2922293.
Genomic context (GRCh38, chr4:54,263,729, plus strand): 5'-CCAGATGTAGCCTTTGTACCTCTAGGAATGACGGATTATTTAGTCATCGTGGAGGATGAT[G>T]ATTCTGCCATTATACCTTGTCGCACAACTGATCCCGAGACTCCTGTAACCTTACACAACA-3'
Protein context (NP_006197.1, residues 134-154): TDYLVIVEDD[Asp144Tyr]SAIIPCRTTD

ClinVar aggregate classification (germline): Uncertain significance. Review status: criteria provided, multiple submitters, no conflicts (2 of 4 stars). 2 submissions from 2 submitters: Uncertain significance (2). Last evaluated 2025-07-22.

Conditions:
Hereditary cancer-predisposing syndrome. Also called: Hereditary neoplastic syndrome; Neoplastic Syndromes, Hereditary; Hereditary Cancer Syndrome; Tumor predisposition. Identifiers: Orphanet 140162, MedGen C0027672, MeSH D009386, MONDO:0015356.
Gastrointestinal stromal tumor. Also called: Gastrointestinal stromal tumor, somatic; Gastrointestinal stroma tumor. Identifiers: Orphanet 44890, MedGen C0238198, MeSH D046152, MONDO:0011719, OMIM 606764, HP:0100723.

Allele frequency attached by ClinVar (database versions not stated): gnomAD exomes below 0.00001; gnomAD 0.00001; TOPMed 0.00001; ExAC 0.00002; ESP Exome Variant Server 0.00015.
gnomAD v4.1: 3 of 1,613,750 alleles (0.00019%); highest among the groups gnomAD compares: African/African-American, 0.004%; no homozygotes.

Submissions (2):

Labcorp Genetics (formerly Invitae), Labcorp
Classification: Uncertain significance for Gastrointestinal stromal tumor. Last evaluated: 2025-07-22. Review status: criteria provided, single submitter. Criteria: Invitae Variant Classification Sherloc (09022015). Collection method: clinical testing. Allele origin: germline.
Comment: This sequence change replaces aspartic acid, which is acidic and polar, with tyrosine, which is neutral and polar, at codon 144 of the PDGFRA protein (p.Asp144Tyr). This variant is present in population databases (rs376497743, gnomAD 0.007%). This variant has not been reported in the literature in individuals affected with PDGFRA-related conditions. ClinVar contains an entry for this variant (Variation ID: 958981). Invitae Evidence Modeling of protein sequence and biophysical properties (such as structural, functional, and spatial information, amino acid conservation, physicochemical variation, residue mobility, and thermodynamic stability) indicates that this missense variant is not expected to disrupt PDGFRA protein function with a negative predictive value of 80%. In summary, the available evidence is currently insufficient to determine the role of this variant in disease. Therefore, it has been classified as a Variant of Uncertain Significance.

Ambry Genetics
Classification: Uncertain significance for Hereditary cancer-predisposing syndrome. Last evaluated: 2023-09-01. Review status: criteria provided, single submitter. Criteria: Ambry Variant Classification Scheme 2023. Collection method: clinical testing. Allele origin: germline.
Comment: The p.D144Y variant (also known as c.430G>T), located in coding exon 3 of the PDGFRA gene, results from a G to T substitution at nucleotide position 430. The aspartic acid at codon 144 is replaced by tyrosine, an amino acid with highly dissimilar properties. This amino acid position is well conserved in available vertebrate species. In addition, this alteration is predicted to be tolerated by in silico analysis. Since supporting evidence is limited at this time, the clinical significance of this alteration remains unclear.